The following is an entry in ClinVar:

ClinVar aggregate classification (germline): Pathogenic (1 of 4 stars; one submission).

Conditions:
Hereditary cancer-predisposing syndrome. Also called: Hereditary Cancer Syndrome; Tumor predisposition; Hereditary neoplastic syndrome; Neoplastic Syndromes, Hereditary. Identifiers: Orphanet 140162, MedGen C0027672, MeSH D009386, MONDO:0015356.

Submission:

Ambry Genetics
Classification: Pathogenic for Hereditary cancer-predisposing syndrome. Last evaluated: 2024-10-19. Review status: criteria provided, single submitter. Criteria: Ambry Variant Classification Scheme 2023. Collection method: clinical testing. Allele origin: germline.
Comment: The c.1339delA pathogenic mutation, located in coding exon 8 of the MSH3 gene, results from a deletion of one nucleotide at nucleotide position 1339, causing a translational frameshift with a predicted alternate stop codon (p.S447Vfs*49). This variant is considered to be rare based on population cohorts in the Genome Aggregation Database (gnomAD). This alteration is expected to result in loss of function by premature protein truncation or nonsense-mediated mRNA decay. As such, this alteration is interpreted as a disease-causing mutation.

NM_002439.5(MSH3):c.1339del (p.Ser447fs)

Gene: MSH3 (mutS homolog 3; plus strand). Cytogenetic location: 5q14.1.
Variant type: Deletion.
Coding change: c.1339del on transcript NM_002439.5 (MANE Select); coding-DNA position 1339, one base deleted (A; older notation c.1339delA).
Protein change: p.Ser447fs; shifts the reading frame from serine 447.
Molecular consequence: frameshift variant.
Genome position (GRCh38, 1-based): chr5:80,679,092, A deleted. VCF-style (leftmost placement, unchanged base first): chr5-80679091-TA-T. GRCh37 (hg19) VCF-style: chr5-79974910-TA-T.
Other names: short protein forms S447fs.
Identifiers: ClinVar variation 3398740 (VCV003398740.1).